The following is an entry in ClinVar:

NM_015160.3(PMPCA):c.388C>T (p.Leu130=)

Gene: PMPCA (peptidase, mitochondrial processing subunit alpha; plus strand). Cytogenetic location: 9q34.3.
Variant type: single nucleotide variant.
Coding change: c.388C>T on transcript NM_015160.3 (MANE Select); coding-DNA position 388, C replaced by T.
Protein change: p.Leu130=; no amino-acid change (leucine 130 retained).
Molecular consequence: synonymous variant.
Genome position (GRCh38, 1-based): chr9:136,412,843, C>T. VCF-style: chr9-136412843-C-T. GRCh37 (hg19) VCF-style: chr9-139307295-C-T.
Other names: c.90C>T, p.Phe30= (NM_001282944.2, NM_001282946.2).
Identifiers: ClinVar variation 4534448 (VCV004534448.6).

ClinVar aggregate classification (germline): Likely benign (1 of 4 stars; one submission).

Submission:

CeGaT Center for Human Genetics Tuebingen
Classification: Likely benign. Last evaluated: 2025-11-01. Review status: criteria provided, single submitter. Criteria: CeGaT Center For Human Genetics Tuebingen Variant Classification Criteria Version 2. Collection method: clinical testing. Allele origin: germline. Affected: yes. Observed: 1 variant allele.
Comment: PMPCA: BP4, BP7